The following is an entry in ClinVar:

NM_002439.5(MSH3):c.2906A>G (p.Gln969Arg)

Gene: MSH3 (mutS homolog 3; plus strand). Cytogenetic location: 5q14.1.
Variant type: single nucleotide variant.
Coding change: c.2906A>G on transcript NM_002439.5 (MANE Select); coding-DNA position 2906, A replaced by G.
Protein change: p.Gln969Arg; replaces glutamine 969 with arginine.
Molecular consequence: missense variant.
Genome position (GRCh38, 1-based): chr5:80,854,222, A>G. VCF-style: chr5-80854222-A-G. GRCh37 (hg19) VCF-style: chr5-80150041-A-G.
Other names: c.2906A>G (NM_002439.3); short protein forms Q969R.
Identifiers: ClinVar variation 3688760 (VCV003688760.3).

ClinVar aggregate classification (germline): Uncertain significance. Review status: criteria provided, multiple submitters, no conflicts (2 of 4 stars). 2 submissions from 2 submitters: Uncertain significance (2). Last evaluated 2025-02-04.

Conditions:
Hereditary cancer-predisposing syndrome. Also called: Tumor predisposition; Neoplastic Syndromes, Hereditary; Hereditary Cancer Syndrome; Hereditary neoplastic syndrome. Identifiers: Orphanet 140162, MedGen C0027672, MeSH D009386, MONDO:0015356.

gnomAD v4.1: 4 of 1,613,960 alleles (0.00025%); highest among the groups gnomAD compares: East Asian, 0.0089%; no homozygotes.

Submissions (2):

Ambry Genetics
Classification: Uncertain significance for Hereditary cancer-predisposing syndrome. Last evaluated: 2025-02-04. Review status: criteria provided, single submitter. Criteria: Ambry Variant Classification Scheme 2023. Collection method: clinical testing. Allele origin: germline.
Comment: The p.Q969R variant (also known as c.2906A>G), located in coding exon 21 of the MSH3 gene, results from an A to G substitution at nucleotide position 2906. The glutamine at codon 969 is replaced by arginine, an amino acid with highly similar properties. This amino acid position is conserved. In addition, this alteration is predicted to be tolerated by in silico analysis. Based on the available evidence, the clinical significance of this variant remains unclear.

Labcorp Genetics (formerly Invitae), Labcorp
Classification: Uncertain significance. Last evaluated: 2024-07-25. Review status: criteria provided, single submitter. Criteria: Invitae Variant Classification Sherloc (09022015). Collection method: clinical testing. Allele origin: germline.
Comment: This sequence change replaces glutamine, which is neutral and polar, with arginine, which is basic and polar, at codon 969 of the MSH3 protein (p.Gln969Arg). This variant is not present in population databases (gnomAD no frequency). This variant has not been reported in the literature in individuals affected with MSH3-related conditions. An algorithm developed to predict the effect of missense changes on protein structure and function outputs the following: PolyPhen-2: "Benign". The arginine amino acid residue is found in multiple mammalian species, which suggests that this missense change does not adversely affect protein function. In summary, the available evidence is currently insufficient to determine the role of this variant in disease. Therefore, it has been classified as a Variant of Uncertain Significance.